The following is an entry in ClinVar:

NM_000081.4(LYST):c.10604C>T (p.Ala3535Val)

Gene: LYST (lysosomal trafficking regulator; minus strand). Cytogenetic location: 1q42.3.
Variant type: single nucleotide variant.
Coding change: c.10604C>T on transcript NM_000081.4 (MANE Select); coding-DNA position 10604, C replaced by T.
Protein change: p.Ala3535Val; replaces alanine 3535 with valine.
Molecular consequence: missense variant.
Genome position (GRCh38, 1-based): chr1:235,693,447, G>A on the plus strand (C>T on the coding strand, the complement: LYST is on the minus strand). VCF-style: chr1-235693447-G-A. GRCh37 (hg19) VCF-style: chr1-235856747-G-A.
Other names: p.Ala3535Val; c.10604C>T, p.Ala3535Val (NM_001301365.1); short protein forms A3535V.
Identifiers: ClinVar variation 1449382 (VCV001449382.9), dbSNP rs1414279372, ClinGen allele CA1465322.

ClinVar aggregate classification (germline): Uncertain significance. Review status: criteria provided, multiple submitters, no conflicts (2 of 4 stars). 2 submissions from 2 submitters: Uncertain significance (2). Last evaluated 2025-04-14.

Conditions:
Chédiak-Higashi syndrome (CHS). Also called: Chediak-Higashi Syndrome. Identifiers: Orphanet 167, MedGen C0007965, MONDO:0008963, OMIM 214500.

Allele frequency attached by ClinVar (database versions not stated): ExAC 0.00001; gnomAD 0.00001; gnomAD exomes 0.00001; TOPMed 0.00002.
gnomAD v4.1: 9 of 1,613,184 alleles (0.00056%); highest among the groups gnomAD compares: Non-Finnish European, 0.00076%; no homozygotes.

Submissions (2):

Labcorp Genetics (formerly Invitae), Labcorp
Classification: Uncertain significance for Chédiak-Higashi syndrome. Last evaluated: 2025-04-14. Review status: criteria provided, single submitter. Criteria: Invitae Variant Classification Sherloc (09022015). Collection method: clinical testing. Allele origin: germline.
Comment: This sequence change replaces alanine, which is neutral and non-polar, with valine, which is neutral and non-polar, at codon 3535 of the LYST protein (p.Ala3535Val). This variant is present in population databases (no rsID available, gnomAD 0.002%). This variant has not been reported in the literature in individuals affected with LYST-related conditions. ClinVar contains an entry for this variant (Variation ID: 1449382). Invitae Evidence Modeling of protein sequence and biophysical properties (such as structural, functional, and spatial information, amino acid conservation, physicochemical variation, residue mobility, and thermodynamic stability) indicates that this missense variant is expected to disrupt LYST protein function with a positive predictive value of 80%. In summary, the available evidence is currently insufficient to determine the role of this variant in disease. Therefore, it has been classified as a Variant of Uncertain Significance.

Mayo Clinic Laboratories, Mayo Clinic
Classification: Uncertain significance. Last evaluated: 2025-02-08. Review status: criteria provided, single submitter. Criteria: ACMG Guidelines, 2015. Collection method: clinical testing. Allele origin: germline. Observed: 1 variant allele.
Comment: PM2_supporting